The following is an entry in ClinVar:

ClinVar aggregate classification (germline): Conflicting classifications of pathogenicity. Review status: criteria provided, conflicting classifications (1 of 4 stars). 16 submissions from 16 submitters: Likely pathogenic (1); Benign (5); Likely benign (3). 7 of the submissions do not count toward it. Last evaluated 2026-04-28.

Conditions:
Myopia 25, autosomal dominant (MYP25). Identifiers: MedGen C4310655, MONDO:0014982, OMIM 617238.
AIPL1-related disorder. Also called: AIPL1-related disorders; AIPL1-related condition. Identifiers: MedGen CN239169.
Leber congenital amaurosis 1 (LCA1). Also called: AMAUROSIS CONGENITA OF LEBER I; RETINAL BLINDNESS, CONGENITAL; Congenital absence of the rods and cones; Leber's congenital tapetoretinal degeneration; Leber's congenital tapetoretinal dysplasia. Identifiers: Orphanet 65, MedGen C2931258, MONDO:0008764, OMIM 204000.
Leber congenital amaurosis 4 (LCA4). Identifiers: MedGen C1858386, MONDO:0011458, OMIM 604393.
Nystagmus. Identifiers: MedGen C0028738, MONDO:0004843, HP:0000639.
High myopia, early-onset. Identifiers: MedGen C5394216.

Allele frequency attached by ClinVar (database versions not stated): 1000 Genomes Project 30x 0.00141; TOPMed 0.00159; 1000 Genomes Project 0.00160; ESP Exome Variant Server 0.00054; gnomAD 0.00067.
gnomAD v4.1: 2,496 of 1,608,168 alleles (0.16%); highest among the groups gnomAD compares: South Asian, 0.93%; 11 homozygotes.

Submissions (16):

Women's Health and Genetics/Laboratory Corporation of America, LabCorp
Classification: Benign. Last evaluated: 2026-04-28. Review status: criteria provided, single submitter. Criteria: LabCorp Variant Classification Summary - May 2015. Collection method: clinical testing. Allele origin: germline.
Comment: Variant summary: AIPL1 c.905G>T (p.Arg302Leu) results in a non-conservative amino acid change in the encoded protein sequence. Algorithms developed to predict the effect of missense changes on protein structure and function are either unavailable or do not agree on the potential impact of this missense change. The variant allele was found at a frequency of 0.0026 in 244746 control chromosomes in the gnomAD database, including 3 homozygotes. The observed variant frequency exceeds the estimated maximal expected allele frequency for disease-causing variants in AIPL1. c.905G>T has been observed in individual(s) affected with Leber congenital amaurosis (Tan_2012) without evidence for causality. These report(s) do not provide unequivocal conclusions about association of the variant with Leber congenital amaurosis. To our knowledge, no experimental evidence demonstrating an impact on protein function has been reported. The following publication have been ascertained in the context of this evaluation (PMID: 22412862). ClinVar contains an entry for this variant (Variation ID: 65712). Based on the evidence outlined above, the variant was classified as benign.

PreventionGenetics, part of Exact Sciences
Classification: Benign for AIPL1-related condition. Last evaluated: 2026-03-27. Review status: criteria provided, single submitter. Criteria: ACMG Guidelines, 2015. Collection method: clinical testing. Allele origin: germline.
Comment: This variant is classified as benign based on ACMG/AMP sequence variant interpretation guidelines (Richards et al. 2015 PMID: 25741868, with internal and published modifications).

Labcorp Genetics (formerly Invitae), Labcorp
Classification: Benign for Leber congenital amaurosis 4. Last evaluated: 2026-01-24. Review status: criteria provided, single submitter. Criteria: Invitae Variant Classification Sherloc (09022015). Collection method: clinical testing. Allele origin: germline.

CeGaT Center for Human Genetics Tuebingen
Classification: Likely benign. Last evaluated: 2025-07-01. Review status: criteria provided, single submitter. Criteria: CeGaT Center For Human Genetics Tuebingen Variant Classification Criteria Version 2. Collection method: clinical testing. Allele origin: germline. Affected: yes. Observed: 8 variant alleles.
Comment: AIPL1: BP4, BS2

Blueprint Genetics
Classification: Likely benign. Last evaluated: 2024-11-14. Review status: criteria provided, single submitter. Criteria: ACMG Guidelines, 2015. Collection method: clinical testing. Allele origin: germline.

Ophthalmic Genetics and Bioinformatics Laboratory, Shanghai Puxi and Light Genomics Technology Co., Ltd.
Classification: Likely pathogenic for Nystagmus; High myopia, early-onset. Last evaluated: 2021-10-01. Review status: criteria provided, single submitter. Criteria: Standards And Guidelines For The Interpretation Of Sequence Variants. Collection method: clinical testing. Allele origin: paternal. Affected: yes.

ARUP Laboratories, Molecular Genetics and Genomics, ARUP Laboratories
Classification: Benign. Last evaluated: 2019-11-16. Review status: criteria provided, single submitter. Criteria: ARUP Molecular Germline Variant Investigation Process. Collection method: clinical testing. Allele origin: germline.

Mendelics
Classification: Likely benign for Leber congenital amaurosis 1. Last evaluated: 2019-05-28. Review status: criteria provided, single submitter. Criteria: Mendelics Assertion Criteria 2017. Collection method: clinical testing. Allele origin: unknown.

Eurofins Ntd Llc (ga)
Classification: Benign. Last evaluated: 2014-11-20. Review status: criteria provided, single submitter. Criteria: EGL Classification Definitions 2015. Collection method: clinical testing. Allele origin: germline. Observed: 1 variant allele, 1 heterozygote.

Clinical Genetics DNA and cytogenetics Diagnostics Lab, Erasmus MC, Erasmus Medical Center
Classification: Likely benign. Review status: no assertion criteria provided. Collection method: clinical testing. Allele origin: germline. Affected: yes. Study: VKGL Data-share Consensus. Not counted in ClinVar's aggregate classification.

Clinical Genetics, Academic Medical Center
Classification: Likely benign. Review status: no assertion criteria provided. Collection method: clinical testing. Allele origin: germline. Affected: yes. Study: VKGL Data-share Consensus. Not counted in ClinVar's aggregate classification.

GeneReviews
No classification provided. Condition: Leber congenital amaurosis 4. Review status: no classification provided. Collection method: literature only. Allele origin: unknown. Not counted in ClinVar's aggregate classification.

Joint Genome Diagnostic Labs from Nijmegen and Maastricht, Radboudumc and MUMC+
Classification: Likely benign. Review status: no assertion criteria provided. Collection method: clinical testing. Allele origin: germline. Affected: yes. Study: VKGL Data-share Consensus. Not counted in ClinVar's aggregate classification.

Retina International
No classification provided. Review status: no classification provided. Collection method: not provided. Allele origin: unknown. Not counted in ClinVar's aggregate classification.

Illumina Laboratory Services, Illumina
Classification: Uncertain significance for Leber congenital amaurosis 4. Last evaluated: 2018-03-06. Review status: flagged submission. Criteria: ICSL Variant Classification Criteria 13 December 2019. Collection method: clinical testing. Allele origin: germline. Not counted in ClinVar's aggregate classification.
ClinVar note: Reason: Outlier claim with insufficient supporting evidence

Ningxia Clinical Research Institute, People's Hospital of Ningxia Hui Autonomous Region
Classification: Likely pathogenic for Myopia 25, autosomal dominant. Review status: flagged submission. Criteria: ACMG Guidelines, 2015. Collection method: clinical testing. Allele origin: inherited. Inheritance: Autosomal dominant inheritance with paternal imprinting. Affected: yes. Not counted in ClinVar's aggregate classification.
Comment: ACMG guidelines: 1. 2. The variant has been reported in previous publications (PS1_Strong). 3. Multiple in-silico tools predict a damaging effect, and cross-species conservation analysis shows that amino-acid position 302 is highly conserved, indicating that the variant is likely to impair AIPL1 protein structure and function (PP3_Supporting). 4. 5. A certified clinical laboratory has classified the variant as pathogenic (PP5_Supporting). According to the ACMG guidelines, the AIPL1 heterozygous variant c.905G>T (p.Arg302Leu) was classified as likely pathogenic.
ClinVar note: Reason: Outlier claim with insufficient supporting evidence

Literature cited by the submitters: PubMed 22412862 (cited by Women's Health and Genetics/Laboratory Corporation of America, LabCorp and Eurofins Ntd Llc (ga)); PubMed 10873396 (cited by Eurofins Ntd Llc (ga)); PubMed 14555765 (cited by Eurofins Ntd Llc (ga)); PubMed 15347646 (cited by Eurofins Ntd Llc (ga)); PubMed 16123401 (cited by Eurofins Ntd Llc (ga)); PubMed 20301475 (cited by GeneReviews); NCBI Bookshelf NBK1298 (cited by GeneReviews); PubMed 26139345 (cited by Ningxia Clinical Research Institute, People's Hospital of Ningxia Hui Autonomous Region).

NM_014336.5(AIPL1):c.905G>T (p.Arg302Leu)

Gene: AIPL1 (AIP like 1 HSP90 co-chaperone; minus strand). Cytogenetic location: 17p13.2.
Variant type: single nucleotide variant.
Coding change: c.905G>T on transcript NM_014336.5 (MANE Select); coding-DNA position 905, G replaced by T.
Protein change: p.Arg302Leu; replaces arginine 302 with leucine.
Molecular consequence: missense variant. On other transcripts: 3 prime UTR variant (1).
Genome position (GRCh38, 1-based): chr17:6,425,710, C>A on the plus strand (G>T on the coding strand, the complement: AIPL1 is on the minus strand). VCF-style: chr17-6425710-C-A. GRCh37 (hg19) VCF-style: chr17-6329030-C-A.
Other names: c.716G>T, p.Arg239Leu (NM_001033054.3); c.725G>T, p.Arg242Leu (NM_001033055.3); c.869G>T, p.Arg290Leu (NM_001285399.3); c.839G>T, p.Arg280Leu (NM_001285400.3); c.833G>T, p.Arg278Leu (NM_001285401.3); c.788G>T, p.Arg263Leu (NM_001285402.2); c.*876G>T (NM_001285403.4); short protein forms R302L, R239L, R242L, R290L, R263L, R278L, R280L.
Identifiers: ClinVar variation 65712 (VCV000065712.79), dbSNP rs62637015, ClinGen allele CA203310.